The following is an entry in ClinVar:

NM_015311.3(OBSL1):c.1194C>G (p.Ile398Met)

Gene: OBSL1 (obscurin like cytoskeletal adaptor 1; minus strand). Cytogenetic location: 2q35.
Variant type: single nucleotide variant.
Coding change: c.1194C>G on transcript NM_015311.3 (MANE Select); coding-DNA position 1194, C replaced by G.
Protein change: p.Ile398Met; replaces isoleucine 398 with methionine.
Molecular consequence: missense variant.
Genome position (GRCh38, 1-based): chr2:219,568,143, G>C on the plus strand (C>G on the coding strand, the complement: OBSL1 is on the minus strand). VCF-style: chr2-219568143-G-C. GRCh37 (hg19) VCF-style: chr2-220432865-G-C.
Other names: c.1194C>G, p.Ile398Met (NM_001173408.2, NM_001173431.2); short protein forms I398M.
Identifiers: ClinVar variation 1978200 (VCV001978200.5), dbSNP rs944863064, ClinGen allele CA350760529.

ClinVar aggregate classification (germline): Uncertain significance (1 of 4 stars; one submission).

gnomAD v4.1: 4 of 1,613,846 alleles (0.00025%); highest among the groups gnomAD compares: South Asian, 0.0022%; no homozygotes.

Submission:

Labcorp Genetics (formerly Invitae), Labcorp
Classification: Uncertain significance. Last evaluated: 2022-07-03. Review status: criteria provided, single submitter. Criteria: Invitae Variant Classification Sherloc (09022015). Collection method: clinical testing. Allele origin: germline.
Comment: In summary, the available evidence is currently insufficient to determine the role of this variant in disease. Therefore, it has been classified as a Variant of Uncertain Significance. Algorithms developed to predict the effect of missense changes on protein structure and function are either unavailable or do not agree on the potential impact of this missense change (SIFT: "Tolerated"; PolyPhen-2: "Possibly Damaging"; Align-GVGD: "Class C0"). This sequence change replaces isoleucine, which is neutral and non-polar, with methionine, which is neutral and non-polar, at codon 398 of the OBSL1 protein (p.Ile398Met). This variant is present in population databases (no rsID available, gnomAD 0.003%). This variant has not been reported in the literature in individuals affected with OBSL1-related conditions.